The following is an entry in ClinVar:

ClinVar aggregate classification (germline): Uncertain significance. Review status: criteria provided, multiple submitters, no conflicts (2 of 4 stars). 2 submissions from 2 submitters: Uncertain significance (2). Last evaluated 2023-12-17.

Conditions:
Hereditary cancer-predisposing syndrome. Also called: Tumor predisposition; Hereditary Cancer Syndrome; Neoplastic Syndromes, Hereditary; Hereditary neoplastic syndrome. Identifiers: Orphanet 140162, MedGen C0027672, MeSH D009386, MONDO:0015356.

Submissions (2):

Ambry Genetics
Classification: Uncertain significance for Hereditary cancer-predisposing syndrome. Last evaluated: 2023-12-17. Review status: criteria provided, single submitter. Criteria: Ambry Variant Classification Scheme 2023. Collection method: clinical testing. Allele origin: germline.
Comment: The p.R327G variant (also known as c.979C>G), located in coding exon 7 of the RAD50 gene, results from a C to G substitution at nucleotide position 979. The arginine at codon 327 is replaced by glycine, an amino acid with dissimilar properties. This amino acid position is well conserved in available vertebrate species. In addition, this alteration is predicted to be tolerated by in silico analysis. Since supporting evidence is limited at this time, the clinical significance of this alteration remains unclear.

Labcorp Genetics (formerly Invitae), Labcorp
Classification: Uncertain significance for Hereditary cancer-predisposing syndrome. Last evaluated: 2022-03-07. Review status: criteria provided, single submitter. Criteria: Invitae Variant Classification Sherloc (09022015). Collection method: clinical testing. Allele origin: germline.
Comment: In summary, the available evidence is currently insufficient to determine the role of this variant in disease. Therefore, it has been classified as a Variant of Uncertain Significance. Algorithms developed to predict the effect of missense changes on protein structure and function (SIFT, PolyPhen-2, Align-GVGD) all suggest that this variant is likely to be tolerated. ClinVar contains an entry for this variant (Variation ID: 823485). This variant has not been reported in the literature in individuals affected with RAD50-related conditions. This variant is not present in population databases (gnomAD no frequency). This sequence change replaces arginine, which is basic and polar, with glycine, which is neutral and non-polar, at codon 327 of the RAD50 protein (p.Arg327Gly).

NM_005732.4(RAD50):c.979C>G (p.Arg327Gly)

Gene: RAD50 (RAD50 double strand break repair protein; plus strand). Cytogenetic location: 5q31.1.
Variant type: single nucleotide variant.
Coding change: c.979C>G on transcript NM_005732.4 (MANE Select); coding-DNA position 979, C replaced by G.
Protein change: p.Arg327Gly; replaces arginine 327 with glycine.
Molecular consequence: missense variant.
Genome position (GRCh38, 1-based): chr5:132,588,017, C>G. VCF-style: chr5-132588017-C-G. GRCh37 (hg19) VCF-style: chr5-131923709-C-G.
Other names: short protein forms R327G.
Identifiers: ClinVar variation 823485 (VCV000823485.14), dbSNP rs1060501938, ClinGen allele CA360941259.
Genomic context (GRCh38, chr5:132,588,017, plus strand): 5'-TTATATCACAATCACCAGAGAACAGTAAGGGAGAAAGAAAGGAAATTGGTAGACTGTCAT[C>G]GTGAACTGGAAAAACTAAATAAAGAATCTAGGCTTCTCAATCAGGAAAAATCAGAACTGC-3'
Protein context (NP_005723.2, residues 317-337): EKERKLVDCH[Arg327Gly]ELEKLNKESR